The following is an entry in ClinVar:

ClinVar aggregate classification (germline): Uncertain significance (1 of 4 stars; one submission).

Allele frequency attached by ClinVar (database versions not stated): gnomAD 0.00001; gnomAD exomes 0.00001; TOPMed 0.00001.
gnomAD v4.1: 8 of 1,608,378 alleles (0.0005%); highest among the groups gnomAD compares: East Asian, 0.018%; no homozygotes.

Submission:

Labcorp Genetics (formerly Invitae), Labcorp
Classification: Uncertain significance. Last evaluated: 2021-03-08. Review status: criteria provided, single submitter. Criteria: Invitae Variant Classification Sherloc (09022015). Collection method: clinical testing. Allele origin: germline.
Comment: In summary, the available evidence is currently insufficient to determine the role of this variant in disease. Therefore, it has been classified as a Variant of Uncertain Significance. Algorithms developed to predict the effect of missense changes on protein structure and function are either unavailable or do not agree on the potential impact of this missense change (SIFT: "Deleterious"; PolyPhen-2: "Probably Damaging"; Align-GVGD: "Class C0"). This variant has not been reported in the literature in individuals with ALPK3-related conditions. This variant is not present in population databases (ExAC no frequency). This sequence change replaces glycine with arginine at codon 744 of the ALPK3 protein (p.Gly744Arg). The glycine residue is highly conserved and there is a moderate physicochemical difference between glycine and arginine.

NM_020778.5(ALPK3):c.1624G>A (p.Gly542Arg)

Genes: ALPK3 (alpha kinase 3; plus strand), LOC111718493 (skeletal muscle cis-regulatory module overlapping ALPK3; plus strand). Cytogenetic location: 15q25.3.
Variant type: single nucleotide variant.
Coding change: c.1624G>A on transcript NM_020778.5 (MANE Select); coding-DNA position 1624, G replaced by A.
Protein change: p.Gly542Arg; replaces glycine 542 with arginine.
Molecular consequence: missense variant.
Genome position (GRCh38, 1-based): chr15:84,840,903, G>A. VCF-style: chr15-84840903-G-A. GRCh37 (hg19) VCF-style: chr15-85384134-G-A.
Other names: short protein forms G542R.
Identifiers: ClinVar variation 1377443 (VCV001377443.8), dbSNP rs1431981751, ClinGen allele CA393376158.